The following is an entry in ClinVar:

ClinVar aggregate classification (germline): Likely benign. Review status: criteria provided, multiple submitters, no conflicts (2 of 4 stars). 4 submissions from 4 submitters: Likely benign (3). 1 of the submissions does not count toward it. Last evaluated 2025-11-24.

Conditions:
Cardiovascular phenotype. Identifiers: MedGen CN230736.
Cardiomyopathy (CMYO). Also called: Cardiomyopathies. Identifiers: Orphanet 167848, MedGen C0878544, MONDO:0004994, HP:0001638. Inheritance: Various modes of inheritance.
Arrhythmogenic right ventricular dysplasia 8 (ARVD8). Also called: ARRHYTHMOGENIC RIGHT VENTRICULAR DYSPLASIA, FAMILIAL, 8; ARRHYTHMOGENIC RIGHT VENTRICULAR CARDIOMYOPATHY 8; Arrhythmogenic Right Ventricular Dysplasia/Cardiomyopathy 8. Identifiers: MedGen C1843896, MONDO:0011831, OMIM 607450.
Arrhythmogenic cardiomyopathy with wooly hair and keratoderma. Also called: Dilated cardiomyopathy with woolly hair and keratoderma; Carvajal syndrome; Arrhythmogenic cardiomyopathy with woolly hair and keratoderma; PALMOPLANTAR KERATODERMA WITH LEFT VENTRICULAR CARDIOMYOPATHY AND WOOLLY HAIR. Identifiers: Orphanet 65282, MedGen C1854063, MONDO:0011581, OMIM 605676.
DSP-related disorder. Also called: DSP-related disorders; DSP-related condition.

Allele frequency attached by ClinVar (database versions not stated): gnomAD exomes 0.00002 and 0.00003; TOPMed 0.00002.
gnomAD v4.1: 9 of 1,614,148 alleles (0.00056%); highest among the groups gnomAD compares: Admixed American, 0.012%; no homozygotes.

Submissions (4):

Labcorp Genetics (formerly Invitae), Labcorp
Classification: Likely benign for Arrhythmogenic cardiomyopathy with wooly hair and keratoderma; Arrhythmogenic right ventricular dysplasia 8. Last evaluated: 2025-11-24. Review status: criteria provided, single submitter. Criteria: Invitae Variant Classification Sherloc (09022015). Collection method: clinical testing. Allele origin: germline.

Ambry Genetics
Classification: Likely benign for Cardiovascular phenotype. Last evaluated: 2022-08-03. Review status: criteria provided, single submitter. Criteria: Ambry Variant Classification Scheme 2023. Collection method: clinical testing. Allele origin: germline.

Color Diagnostics, LLC DBA Color Health
Classification: Likely benign for Cardiomyopathy. Last evaluated: 2020-04-07. Review status: criteria provided, single submitter. Criteria: ACMG Guidelines, 2015. Collection method: clinical testing. Allele origin: germline.

PreventionGenetics, part of Exact Sciences
Classification: Likely benign for DSP-related condition. Last evaluated: 2024-07-23. Review status: no assertion criteria provided. Collection method: clinical testing. Allele origin: germline. Not counted in ClinVar's aggregate classification.
Comment: This variant is classified as likely benign based on ACMG/AMP sequence variant interpretation guidelines (Richards et al. 2015 PMID: 25741868, with internal and published modifications).

NM_004415.4(DSP):c.7014G>C (p.Gly2338=)

Gene: DSP (desmoplakin; plus strand). Cytogenetic location: 6p24.3.
Variant type: single nucleotide variant.
Coding change: c.7014G>C on transcript NM_004415.4 (MANE Select); coding-DNA position 7014, G replaced by C.
Protein change: p.Gly2338=; no amino-acid change (glycine 2338 retained).
Molecular consequence: synonymous variant.
Genome position (GRCh38, 1-based): chr6:7,584,276, G>C. VCF-style: chr6-7584276-G-C. GRCh37 (hg19) VCF-style: chr6-7584509-G-C.
Other names: c.7014G>C (NM_004415.3); c.5217G>C, p.Gly1739= (NM_001008844.3); c.5685G>C, p.Gly1895= (NM_001319034.2).
Identifiers: ClinVar variation 921413 (VCV000921413.14), dbSNP rs1054965369, ClinGen allele CA133975521.